The following is an entry in ClinVar:

ClinVar aggregate classification (germline): Uncertain significance. Review status: criteria provided, multiple submitters, no conflicts (2 of 4 stars). 2 submissions from 2 submitters: Uncertain significance (2). Last evaluated 2024-03-06.

Conditions:
Cardiomyopathy (CMYO). Also called: Cardiomyopathies. Identifiers: Orphanet 167848, MedGen C0878544, MONDO:0004994, HP:0001638. Inheritance: Various modes of inheritance.

Submissions (2):

Color Diagnostics, LLC DBA Color Health
Classification: Uncertain significance for Cardiomyopathy. Last evaluated: 2024-03-06. Review status: criteria provided, single submitter. Criteria: ACMG Guidelines, 2015. Collection method: clinical testing. Allele origin: germline.
Comment: This missense variant replaces aspartic acid with glycine at codon 270 of the TNNT2 protein. Computational prediction is inconclusive regarding the impact of this variant on protein structure and function. Splice site prediction tools suggest that this variant may impact RNA splicing. To our knowledge, functional studies have not been reported for this variant. This variant has not been reported in individuals affected with TNNT2-related disorders in the literature. This variant has not been identified in the general population by the Genome Aggregation Database (gnomAD). The available evidence is insufficient to determine the role of this variant in disease conclusively. Therefore, this variant is classified as a Variant of Uncertain Significance.

All of Us Research Program, National Institutes of Health
Classification: Uncertain significance for Cardiomyopathy. Last evaluated: 2023-03-09. Review status: criteria provided, single submitter. Criteria: ACMG Guidelines, 2015. Collection method: clinical testing. Allele origin: germline. Inheritance: Autosomal dominant inheritance. Observed: 1 variant allele, 1 heterozygote.
Comment: This missense variant replaces aspartic acid with glycine at codon 270 of the TNNT2 protein. Computational prediction is inconclusive regarding the impact of this variant on protein structure and function (internally defined REVEL score threshold 0.5 < inconclusive < 0.7, PMID: 27666373). Splice site prediction tools suggest that this variant may impact RNA splicing. To our knowledge, functional studies have not been reported for this variant. This variant has not been reported in individuals affected with TNNT2-related disorders in the literature. This variant has not been identified in the general population by the Genome Aggregation Database (gnomAD). The available evidence is insufficient to determine the role of this variant in disease conclusively. Therefore, this variant is classified as a Variant of Uncertain Significance.

This study involves interpretation of variants in research participants for the purpose of population health screening. Participant phenotype was not available at the time of variant classification. Additional details can be found in publication PMID: 35346344, PMCID: PMC8962531

NM_001276345.2(TNNT2):c.839A>G (p.Asp280Gly)

Gene: TNNT2 (troponin T2, cardiac type; minus strand). Cytogenetic location: 1q32.1.
Variant type: single nucleotide variant.
Coding change: c.839A>G on transcript NM_001276345.2 (MANE Select); coding-DNA position 839, A replaced by G.
Protein change: p.Asp280Gly; replaces aspartic acid 280 with glycine.
Molecular consequence: missense variant.
Genome position (GRCh38, 1-based): chr1:201,359,635, T>C on the plus strand (A>G on the coding strand, the complement: TNNT2 is on the minus strand). VCF-style: chr1-201359635-T-C. GRCh37 (hg19) VCF-style: chr1-201328763-T-C.
Other names: c.830A>G, p.Asp277Gly (NM_000364.4, NM_001406723.1); c.809A>G, p.Asp270Gly (NM_001001430.3, NM_001276347.2, NM_001406724.1); c.800A>G, p.Asp267Gly (NM_001001431.3, NM_001406726.1, NM_001406727.1); c.791A>G, p.Asp264Gly (NM_001001432.3); c.710A>G, p.Asp237Gly (NM_001276346.2); c.806A>G, p.Asp269Gly (NM_001406725.1); c.794A>G, p.Asp265Gly (NM_001406728.1); short protein forms D237G, D264G, D265G, D267G, D269G, D270G, D277G, D280G.
Identifiers: ClinVar variation 3069835 (VCV003069835.2), dbSNP rs2526890765, ClinGen allele CA344202368.